The following is an entry in ClinVar:

NC_000002.12:g.(?_32126938)_(32154506_?)del

Gene: SPAST (spastin; plus strand). Cytogenetic location: 2p22.3.
Variant type: Deletion.
Identifiers: ClinVar variation 656839 (VCV000656839.2).

ClinVar aggregate classification (germline): Pathogenic (1 of 4 stars; one submission).

Conditions:
Hereditary spastic paraplegia 4. Also called: Spastic paraplegia 4, autosomal dominant; Spastic Paraplegia 4; Familial spastic paraplegia autosomal dominant 2. Identifiers: Orphanet 100985, MedGen C1866855, MONDO:0008438, OMIM 182601.

Submission:

Labcorp Genetics (formerly Invitae), Labcorp
Classification: Pathogenic for Spastic paraplegia 4, autosomal dominant. Last evaluated: 2019-06-04. Review status: criteria provided, single submitter. Criteria: Invitae Variant Classification Sherloc (09022015). Collection method: clinical testing. Allele origin: germline.
Comment: This variant is a gross deletion of the genomic region encompassing exons 8-17 of the SPAST gene. The 5' boundary is likely confined to intron 7. The 3' end of this event is unknown as it extends through the termination codon beyond the assayed region for this gene and may encompass additional genes. While this deletion is not anticipated to result in nonsense mediated decay, it is expected to create a truncated protein product or disrupt mRNA translation. A similar deletion of exons 8-17 has been observed to segregate with hereditary spastic paraplegia in 2 families (PMID: 26165777, 17098887). A similar deletion of exons 8-17 has also been observed in other unrelated individuals affected with hereditary spastic paraplegia (PMID: 26165777, 17098887, 17345589). For these reasons, this variant has been classified as Pathogenic.

Literature cited by the submitters: PubMed 17345589; PubMed 17098887; PubMed 26165777.